The following is an entry in ClinVar:

NM_013266.4(CTNNA3):c.1366T>C (p.Cys456Arg)

Gene: CTNNA3 (catenin alpha 3; minus strand). Cytogenetic location: 10q21.3.
Variant type: single nucleotide variant.
Coding change: c.1366T>C on transcript NM_013266.4 (MANE Select); coding-DNA position 1366, T replaced by C.
Protein change: p.Cys456Arg; replaces cysteine 456 with arginine.
Molecular consequence: missense variant.
Genome position (GRCh38, 1-based): chr10:66,621,700, A>G on the plus strand (T>C on the coding strand, the complement: CTNNA3 is on the minus strand). VCF-style: chr10-66621700-A-G. GRCh37 (hg19) VCF-style: chr10-68381458-A-G.
Other names: c.1366T>C, p.Cys456Arg (NM_001127384.3); short protein forms C456R.
Identifiers: ClinVar variation 4235677 (VCV004235677.1).
Genomic context (GRCh38, chr10:66,621,700, plus strand): 5'-CATTAGGAATTATATATAATTTTACACACAAAAAGTAACTTAGTTGTCATACCTGTGGAC[A>G]CAAGGTTTCCAAATGATTGGCTGCAATTTTGACAATTTTAATTCCATCTTCATTTGTTGA-3'
Protein context (NP_037398.2, residues 446-466): KIAANHLETL[Cys456Arg]PQIINAALAL

ClinVar aggregate classification (germline): Uncertain significance (1 of 4 stars; one submission).

Submission:

Ambry Genetics
Classification: Uncertain significance. Last evaluated: 2025-07-30. Review status: criteria provided, single submitter. Criteria: Ambry Variant Classification Scheme 2023. Collection method: clinical testing. Allele origin: germline.
Comment: The p.C456R variant (also known as c.1366T>C), located in coding exon 9 of the CTNNA3 gene, results from a T to C substitution at nucleotide position 1366. The cysteine at codon 456 is replaced by arginine, an amino acid with highly dissimilar properties. This amino acid position is conserved. In addition, the in silico prediction for this alteration is inconclusive. Based on the available evidence, the clinical significance of this variant remains unclear.